The following is an entry in ClinVar:

NM_024675.4(PALB2):c.2159C>T (p.Thr720Ile)

Gene: PALB2 (partner and localizer of BRCA2; minus strand). Cytogenetic location: 16p12.2.
Variant type: single nucleotide variant.
Coding change: c.2159C>T on transcript NM_024675.4 (MANE Select); coding-DNA position 2159, C replaced by T.
Protein change: p.Thr720Ile; replaces threonine 720 with isoleucine.
Molecular consequence: missense variant. On other transcripts: intron variant (1).
Genome position (GRCh38, 1-based): chr16:23,629,995, G>A on the plus strand (C>T on the coding strand, the complement: PALB2 is on the minus strand). VCF-style: chr16-23629995-G-A. GRCh37 (hg19) VCF-style: chr16-23641316-G-A.
Other names: c.2099C>T, p.Thr700Ile (NM_001407296.1); c.2159C>T, p.Thr720Ile (NM_001407297.1, NM_001407298.1, NM_001407299.1 and 3 more transcripts); c.1274C>T, p.Thr425Ile (NM_001407304.1, NM_001407305.1, NM_001407306.1 and 5 more transcripts); c.371C>T, p.Thr124Ile (NM_001407312.1, NM_001407313.1); c.49-720C>T (NM_001407314.1); short protein forms T700I, T124I, T720I, T425I.
Identifiers: ClinVar variation 3413444 (VCV003413444.2).
Genomic context (GRCh38, chr16:23,629,995, plus strand): 5'-TGAGGGCCAAAGGCTGGAGTAGTACCTAAGATGGGGAAAGCAGGTGAACACATGTCTGTG[G>A]TAGGCCTGTCATTATCATCAGGCGCAACCGTATTTAAAGGAGTATAAAGTAATATGGATG-3'
Protein context (NP_078951.2, residues 710-730): TVAPDDNDRP[Thr720Ile]TDMCSPAFPI

ClinVar aggregate classification (germline): Conflicting classifications of pathogenicity. Review status: criteria provided, conflicting classifications (1 of 4 stars). 2 submissions from 2 submitters: Uncertain significance (1); Likely benign (1). Last evaluated 2025-03-30.

Conditions:
Hereditary cancer-predisposing syndrome. Also called: Neoplastic Syndromes, Hereditary; Tumor predisposition; Hereditary Cancer Syndrome; Hereditary neoplastic syndrome. Identifiers: Orphanet 140162, MedGen C0027672, MeSH D009386, MONDO:0015356.
Familial cancer of breast. Also called: BREAST CANCER, FAMILIAL; Hereditary breast cancer; hereditary breast carcinoma. Identifiers: Orphanet 227535, MedGen C0346153, MONDO:0016419, OMIM 114480. Disease mechanism: loss of function.

gnomAD v4.1: 1 of 1,614,152 alleles (0.000062%); highest among the groups gnomAD compares: South Asian, 0.0011%; no homozygotes.

Submissions (2):

Labcorp Genetics (formerly Invitae), Labcorp
Classification: Uncertain significance for Familial cancer of breast. Last evaluated: 2025-03-30. Review status: criteria provided, single submitter. Criteria: Invitae Variant Classification Sherloc (09022015). Collection method: clinical testing. Allele origin: germline.
Comment: This sequence change replaces threonine, which is neutral and polar, with isoleucine, which is neutral and non-polar, at codon 720 of the PALB2 protein (p.Thr720Ile). This variant is not present in population databases (gnomAD no frequency). This variant has not been reported in the literature in individuals affected with PALB2-related conditions. ClinVar contains an entry for this variant (Variation ID: 3413444). Invitae Evidence Modeling of protein sequence and biophysical properties (such as structural, functional, and spatial information, amino acid conservation, physicochemical variation, residue mobility, and thermodynamic stability) indicates that this missense variant is not expected to disrupt PALB2 protein function with a negative predictive value of 80%. In summary, the available evidence is currently insufficient to determine the role of this variant in disease. Therefore, it has been classified as a Variant of Uncertain Significance.

Ambry Genetics
Classification: Likely benign for Hereditary cancer-predisposing syndrome. Last evaluated: 2024-08-06. Review status: criteria provided, single submitter. Criteria: Ambry Variant Classification Scheme 2023. Collection method: clinical testing. Allele origin: germline.